The following is an entry in ClinVar:

NM_001042492.3(NF1):c.2851G>T (p.Val951Phe)

Gene: NF1 (neurofibromin 1; plus strand). Cytogenetic location: 17q11.2.
Variant type: single nucleotide variant.
Coding change: c.2851G>T on transcript NM_001042492.3 (MANE Select); coding-DNA position 2851, G replaced by T.
Protein change: p.Val951Phe; replaces valine 951 with phenylalanine.
Molecular consequence: missense variant.
Genome position (GRCh38, 1-based): chr17:31,229,835, G>T. VCF-style: chr17-31229835-G-T. GRCh37 (hg19) VCF-style: chr17-29556853-G-T.
Other names: c.2851G>T, p.Val951Phe (NM_000267.4); short protein forms V951F.
Identifiers: ClinVar variation 1702852 (VCV001702852.10), dbSNP rs1597716277, ClinGen allele CA398985949.

ClinVar aggregate classification (germline): Pathogenic/Likely pathogenic. Review status: criteria provided, multiple submitters, no conflicts (2 of 4 stars). 4 submissions from 4 submitters: Pathogenic (3); Likely pathogenic (1). Last evaluated 2025-10-29.
ClinVar aggregate classification (somatic clinical impact): Tier I - Strong (1 of 4 stars; one submission).

Conditions:
Hereditary cancer-predisposing syndrome. Also called: Neoplastic Syndromes, Hereditary; Hereditary Cancer Syndrome; Tumor predisposition; Hereditary neoplastic syndrome. Identifiers: Orphanet 140162, MedGen C0027672, MeSH D009386, MONDO:0015356.
Cardiovascular phenotype. Identifiers: MedGen CN230736.
Neurofibromatosis, type 1 (NF1). Also called: VON RECKLINGHAUSEN DISEASE; NEUROFIBROMATOSIS, TYPE I, SOMATIC; Peripheral type neurofibromatosis; Neurofibromatosis, type I. Identifiers: Orphanet 636, MedGen C0027831, MONDO:0018975, OMIM 162200. Disease mechanism: loss of function.
Pilocytic astrocytoma. Also called: Pilocytic astrocytoma, somatic. Identifiers: Orphanet 251612, MedGen C0334583, MONDO:0016691, HP:0033680.

Submissions (5):

Ambry Genetics
Classification: Pathogenic for Cardiovascular phenotype; Hereditary cancer-predisposing syndrome. Last evaluated: 2025-10-29. Review status: criteria provided, single submitter. Criteria: Ambry Variant Classification Scheme 2023. Collection method: clinical testing. Allele origin: germline.
Comment: The c.2851G>T pathogenic mutation (also known as p.V951F) is located in coding exon 22 of the NF1 gene. The valine at codon 951 is replaced by phenylalanine, an amino acid with highly similar properties. However, this change occurs in the first base pair of coding exon 22, which means it may have some effect on normal mRNA splicing. This nucleotide position is highly conserved in available vertebrate species. In silico splice site analysis predicts that this alteration may weaken the native splice acceptor site and may result in the creation or strengthening of a novel splice acceptor site. RNA studies have demonstrated that this alteration results in abnormal splicing in the set of samples tested (Esposito T et al. J Neurochem, 2015 Dec;135:1123-8; Ambry internal data). This variant was reported in individual(s) with features consistent with neurofibromatosis type 1; in at least one individual, it was determined to be de novo (Esposito T et al. J Neurochem, 2015 Dec;135:1123-8; Pasmant E et al. Eur J Hum Genet, 2015 May;23:596-601; Yao R et al. Genes (Basel), 2019 Oct;10:; Giugliano T et al. Genes (Basel), 2019 Jul;10:). This variant is considered to be rare based on population cohorts in the Genome Aggregation Database (gnomAD). Based on the supporting evidence, this variant is interpreted as a disease-causing mutation.

Victorian Clinical Genetics Services, Murdoch Childrens Research Institute
Classification: Pathogenic for Neurofibromatosis, type 1. Last evaluated: 2025-07-15. Review status: criteria provided, single submitter. Criteria: ACMG Guidelines, 2015. Collection method: clinical testing. Allele origin: germline. Affected: yes.
Comment: This variant is classified as Pathogenic. Evidence in support of pathogenic classification: Variant is absent from gnomAD (v2, v3 and v4); This variant has moderate previous evidence of pathogenicity in unrelated individuals. This variant has been classified pathogenic and likely pathogenic by clinical laboratories in ClinVar, and has been reported in the literature in unrelated individuals with neurofibromatosis type 1 (NF1) (PMIDs: 35885913, 29673180, 25074460); Missense variant predicted to be damaging by in silico tool(s) or highly conserved with a major amino acid change. Additional information: Variant is predicted to result in a missense amino acid change from Val to Phe. This variant also affects the first nucleotide of exon 22 and may impact splicing. Western blot studies demonstrated a truncated protein; however, further studies are needed to confirm this outcome (PMID: 26478990); This variant is heterozygous; This gene is associated with autosomal dominant disease; Variant is not located in an established domain, motif, hotspot or informative constraint region; Loss of function is a known mechanism of disease in this gene and is associated with neurofibromatosis, type 1 (MONDO:0018975); Variants in this gene are known to have variable expressivity. Disease manifestation can be extremely variable, even within a family (PMID: 20301288); Inheritance information for this variant is not currently available in this individual.

Labcorp Genetics (formerly Invitae), Labcorp
Classification: Pathogenic for Neurofibromatosis, type 1. Last evaluated: 2024-10-02. Review status: criteria provided, single submitter. Criteria: Invitae Variant Classification Sherloc (09022015). Collection method: clinical testing. Allele origin: germline.
Comment: This sequence change replaces valine, which is neutral and non-polar, with phenylalanine, which is neutral and non-polar, at codon 951 of the NF1 protein (p.Val951Phe). RNA analysis indicates that this missense change induces altered splicing and may result in an absent or altered protein product. This variant is not present in population databases (gnomAD no frequency). This missense change has been observed in individuals with clinical features of neurofibromatosis type 1 (PMID: 25074460, 26478990, 31370276, 31717729). ClinVar contains an entry for this variant (Variation ID: 1702852). An algorithm developed to predict the effect of missense changes on protein structure and function (PolyPhen-2) suggests that this variant is likely to be disruptive. Studies have shown that this missense change results in skipping of exon 22, and produces a non-functional protein and/or introduces a premature termination codon (PMID: 26478990). For these reasons, this variant has been classified as Pathogenic.

Institute for Genomic Medicine (IGM) Clinical Laboratory, Nationwide Children's Hospital
Classification: Tier I - Strong for Pilocytic astrocytoma. Assertion type: diagnostic. Clinical significance: supports diagnosis. Last evaluated: 2024-01-29. Review status: criteria provided, single submitter. Criteria: AMP/ASCO/CAP Guidelines, 2017. Collection method: clinical testing. Allele origin: somatic. Affected: yes.
Comment: Variant has Tier I (strong) clinical significance as a diagnostic inclusion criterion in pilocytic astrocytoma, based on the following evidence: 1) Documented in one or more cancer databases (e.g., St. Jude Pecan, COSMIC, CIViC, OncoKB). 2) Appears in one or more well-established professional guidelines (e.g., World Health Organization [WHO]; National Comprehensive Cancer Network [NCCN]) as providing diagnostic, prognostic, or therapeutic information. 3) Information in the literature supports potential biologic effect of variant (PMIDs: 26478990, 31370276). 4) Diagnostic for a specific tumor type/classification according to professional guidelines (Evidence Level A; PMIDs: 23222849, 22155606, 23817572, 11556548, 27263935).

Medical Genetics, University of Parma
Classification: Likely pathogenic for Neurofibromatosis, type 1. Last evaluated: 2022-08-17. Review status: criteria provided, single submitter. Criteria: ACMG Guidelines, 2015. Collection method: clinical testing. Allele origin: germline. Inheritance: Autosomal dominant inheritance. Affected: yes.

Literature cited by the submitters: PubMed 25074460 (cited by 3 submitters); PubMed 26478990 (cited by 4 submitters); PubMed 31370276 (cited by 3 submitters); PubMed 31717729 (cited by Ambry Genetics and Labcorp Genetics (formerly Invitae), Labcorp); PubMed 29673180 (cited by Victorian Clinical Genetics Services, Murdoch Childrens Research Institute); PubMed 35885913 (cited by Victorian Clinical Genetics Services, Murdoch Childrens Research Institute); PubMed 20301288 (cited by Victorian Clinical Genetics Services, Murdoch Childrens Research Institute); PubMed 23222849 (cited by Institute for Genomic Medicine (IGM) Clinical Laboratory, Nationwide Children's Hospital); PubMed 22155606 (cited by Institute for Genomic Medicine (IGM) Clinical Laboratory, Nationwide Children's Hospital); PubMed 23817572 (cited by Institute for Genomic Medicine (IGM) Clinical Laboratory, Nationwide Children's Hospital); PubMed 11556548 (cited by Institute for Genomic Medicine (IGM) Clinical Laboratory, Nationwide Children's Hospital); PubMed 27263935 (cited by Institute for Genomic Medicine (IGM) Clinical Laboratory, Nationwide Children's Hospital).